The following is an entry in ClinVar:

NM_201253.3(CRB1):c.613_619del (p.Ile205fs)

Gene: CRB1 (crumbs cell polarity complex component 1; plus strand). Cytogenetic location: 1q31.3.
Variant type: Deletion.
Coding change: c.613_619del on transcript NM_201253.3 (MANE Select); coding-DNA positions 613 to 619, 7 bases deleted (ATAGGAA; older notation c.613_619delATAGGAA).
Protein change: p.Ile205fs; shifts the reading frame from isoleucine 205.
Molecular consequence: frameshift variant. On other transcripts: non-coding transcript variant (2).
Genome position (GRCh38, 1-based): chr1:197,328,964-197,328,970, ATAGGAA deleted; deleting any 7 consecutive bases within chr1:197,328,961-197,328,970 gives the same sequence; the c. name uses the placement nearest the transcript's 3' end. VCF-style (leftmost placement, unchanged base first): chr1-197328960-TGAAATAG-T. GRCh37 (hg19) VCF-style: chr1-197298090-TGAAATAG-T.
Other names: NM_201253.3(CRB1):c.613_619del; p.Ile205fs; c.613_619delATAGGAA (NM_201253.2, NM_201253.3); c.613_619del, p.Ile205fs (NM_001193640.2, NM_001257966.2); c.406_412del, p.Ile136fs (NM_001257965.2); c.613_619del7 (NM_201253.2); c.613_619del (NM_001193640.1); short protein forms I136fs, I205fs.
Identifiers: ClinVar variation 99913 (VCV000099913.64), dbSNP rs62645752, ClinGen allele CA228053.

ClinVar aggregate classification (germline): Pathogenic. Review status: criteria provided, multiple submitters, no conflicts (2 of 4 stars). 20 submissions from 15 submitters: Pathogenic (15). 5 of the submissions do not count toward it. Last evaluated 2025-10-10.

Conditions:
CRB1-related disorder. Also called: CRB1-related condition; CRB1-related disorders.
Leber congenital amaurosis 8 (LCA8). Identifiers: Orphanet 65, MedGen C3151202, MONDO:0013453, OMIM 613835.
Retinitis pigmentosa 12 (RP12). Also called: RP WITH OR WITHOUT PPRPE; RP WITH OR WITHOUT PRESERVED PARAARTERIOLE RETINAL PIGMENT EPITHELIUM; RETINITIS PIGMENTOSA WITH OR WITHOUT PARAARTERIOLAR PRESERVATION OF RETINAL PIGMENT EPITHELIUM. Identifiers: Orphanet 791, MedGen C1838647, MONDO:0010818, OMIM 600105.
Pigmented paravenous retinochoroidal atrophy. Identifiers: Orphanet 251295, MedGen C1868310, MONDO:0008246, OMIM 172870.
Retinitis pigmentosa (RP). Identifiers: Orphanet 791, MedGen C0035334, MeSH D012174, MONDO:0019200, OMIM 268000. Inheritance: Autosomal dominant, autosomal recessive and X linked inheritance.
Leber congenital amaurosis (LCA). Also called: Leber's amaurosis. Identifiers: Orphanet 65, MedGen C0339527, MeSH D057130, MONDO:0018998.
Leber congenital amaurosis 1 (LCA1). Also called: RETINAL BLINDNESS, CONGENITAL; Congenital absence of the rods and cones; Leber's congenital tapetoretinal degeneration; Leber's congenital tapetoretinal dysplasia; AMAUROSIS CONGENITA OF LEBER I. Identifiers: Orphanet 65, MedGen C2931258, MONDO:0008764, OMIM 204000.

Submissions 1 to 13 of 20:

Natera, Inc.
Classification: Pathogenic for Leber congenital amaurosis. Last evaluated: 2025-10-10. Review status: criteria provided, single submitter. Criteria: Natera Variant Classification Schema (03/2026). Collection method: clinical testing. Allele origin: germline.
Comment: The c.613_619delATAGGAA variant in CRB1 is a frameshift variant predicted to shift the reading frame beginning at codon 205 and leads to a stop codon 13 codons downstream. This variant is expected to result in nonsense mediated decay, truncation, or a dysfunctional protein product. This variant is rare in the general population with a frequency below the threshold expected for the associated phenotype(s). This variant has been observed in one or more individuals affected with the associated recessive disease, as either homozygous or compound heterozygous with a second variant (PMID: 26626312). Given the available evidence, this variant is classified as Pathogenic.

PreventionGenetics, part of Exact Sciences
Classification: Pathogenic for CRB1-related condition. Last evaluated: 2025-08-26. Review status: criteria provided, single submitter. Criteria: ACMG Guidelines, 2015. Collection method: clinical testing. Allele origin: germline.
Comment: The CRB1 c.613_619del7 variant is predicted to result in a frameshift and premature protein termination (p.Ile205Aspfs*13). This variant has been reported many times in individuals with Leber congenital amaurosis or other retinal disease (see for examples: reported as 7 bp del 612-619, Lotery et al. 2001. PubMed ID: 11231775; Corton et al. 2013. PubMed ID: 23379534; Table S1, Weisschuh et al. 2020. PubMed ID: 32531858). This variant is present in 0.0062% of alleles in individuals of African descent in gnomAD. Frameshift variants in CRB1 are an established mechanism of disease. This variant is interpreted as pathogenic.

Labcorp Genetics (formerly Invitae), Labcorp
Classification: Pathogenic for Leber congenital amaurosis 8; Retinitis pigmentosa 12. Last evaluated: 2025-07-27. Review status: criteria provided, single submitter. Criteria: Invitae Variant Classification Sherloc (09022015). Collection method: clinical testing. Allele origin: germline.
Comment: This sequence change creates a premature translational stop signal (p.Ile205Aspfs*13) in the CRB1 gene. It is expected to result in an absent or disrupted protein product. Loss-of-function variants in CRB1 are known to be pathogenic (PMID: 10508521, 22065545, 23379534, 25412400, 26957898, 28041643, 29391521). This variant is present in population databases (rs767464761, gnomAD 0.007%). This premature translational stop signal has been observed in individual(s) with Leber congenital amaurosis (PMID: 11231775, 29178642). In at least one individual the data is consistent with being in trans (on the opposite chromosome) from a pathogenic variant. ClinVar contains an entry for this variant (Variation ID: 99913). For these reasons, this variant has been classified as Pathogenic.

Baylor Genetics
Classification: Pathogenic for Leber congenital amaurosis 8. Last evaluated: 2024-03-23. Review status: criteria provided, single submitter. Criteria: ACMG Guidelines, 2015. Collection method: clinical testing. Allele origin: unknown.

Genome-Nilou Lab
Classification: Pathogenic for Leber congenital amaurosis 8. Last evaluated: 2023-04-11. Review status: criteria provided, single submitter. Criteria: ACMG Guidelines, 2015. Collection method: clinical testing. Allele origin: germline. Affected: no.

Genome-Nilou Lab
Classification: Pathogenic for Pigmented paravenous retinochoroidal atrophy. Last evaluated: 2023-04-11. Review status: criteria provided, single submitter. Criteria: ACMG Guidelines, 2015. Collection method: clinical testing. Allele origin: germline. Affected: no.

Genome-Nilou Lab
Classification: Pathogenic for Retinitis pigmentosa 12. Last evaluated: 2023-04-11. Review status: criteria provided, single submitter. Criteria: ACMG Guidelines, 2015. Collection method: clinical testing. Allele origin: germline. Affected: no.

GeneDx
Classification: Pathogenic. Last evaluated: 2022-12-09. Review status: criteria provided, single submitter. Criteria: GeneDx Variant Classification Process June 2021. Collection method: clinical testing. Allele origin: germline. Affected: yes.
Comment: Frameshift variant predicted to result in protein truncation or nonsense mediated decay in a gene for which loss-of-function is a known mechanism of disease; This variant is associated with the following publications: (PMID: 25412400, 32531858, 28800606, 23379534, 31736247, 30718709, 26957898, 10508521, 29178642, 29391521, 28041643, 22065545, 11231775, 34327195, 35119454, 34884448, 33773389, 27535533)

Broad Center for Mendelian Genomics, Broad Institute of MIT and Harvard
Classification: Pathogenic for Retinitis pigmentosa 12. Last evaluated: 2022-05-04. Review status: criteria provided, single submitter. Criteria: ACMG Guidelines, 2015. Collection method: curation. Allele origin: germline. Inheritance: Autosomal recessive inheritance.
Comment: The variant has been reported in at least 4 individuals with retinitis pigmentosa 12 (PMID: 29178642, 23379534, 30718709, 31736247), and has been identified in 0.006% (1/16242) of African chromosomes by the Genome Aggregation Database (gnomAD; dbSNP ID: rs62645752). Although this variant has been seen in the general population, its frequency is low enough to be consistent with a recessive carrier frequency. This variant has also been reported in ClinVar (Variation ID: 99913) as pathogenic by many submitters, and as likely pathogenic by Medical Genetics Laboratory, Kennedy Center, Juliane Marie Center, Rigshospitalet. This variant is predicted to cause a frameshift, which alters the protein’s amino acid sequence beginning at position 205 and leads to a premature termination codon 13 amino acids downstream. This alteration is then predicted to lead to a truncated or absent protein. Loss of function of the CRB1 gene is an established disease mechanism in autosomal recessive retinitis pigmentosa 12. The presence of this variant in combination with a reported likely pathogenic variant, and in at least one individual with retinitis pigmentosa 12 increases the likelihood that the p.Ile205AspfsTer13 variant is pathogenic (PMID: 23379534). In summary, this variant meets criteria to be classified as pathogenic for retinitis pigmentosa 12 in an autosomal recessive manner based on the predicted impact of the variant and occurrences with likely pathogenic CRB1 variants in affected individuals. ACMG/AMP Criteria applied: PVS1, PM2, PM3 (Richards 2015).

Fulgent Genetics
Classification: Pathogenic for Pigmented paravenous retinochoroidal atrophy; Retinitis pigmentosa 12; Leber congenital amaurosis 8. Last evaluated: 2022-03-30. Review status: criteria provided, single submitter. Criteria: ACMG Guidelines, 2015. Collection method: clinical testing. Allele origin: unknown.

Blueprint Genetics
Classification: Pathogenic for CRB1-related disorders. Last evaluated: 2021-11-20. Review status: criteria provided, single submitter. Criteria: ACMG Guidelines, 2015. Collection method: clinical testing. Allele origin: germline. Affected: yes. Observed: 5 variant alleles.

Ocular Genomics Institute, Massachusetts Eye and Ear
Classification: Pathogenic for Retinitis pigmentosa 12. Last evaluated: 2021-04-08. Review status: criteria provided, single submitter. Criteria: ACMG Guidelines, 2015. Collection method: research. Allele origin: germline. Affected: yes.
Comment: Through a review of available evidence we were able to apply the following criteria: PVS1, PM2, PM3. Based on this evidence we have classified this variant as Pathogenic.

Broad Center for Mendelian Genomics, Broad Institute of MIT and Harvard
Classification: Pathogenic for Retinitis pigmentosa. Last evaluated: 2021-04-01. Review status: criteria provided, single submitter. Criteria: ACMG Guidelines, 2015. Collection method: curation. Allele origin: germline. Inheritance: Autosomal recessive inheritance. Affected: yes.
Comment: Through a review of available evidence we were able to apply the following criteria: PVS1, PM2, PM3. Based on this evidence we have classified this variant as Pathogenic. If you have any questions about the classification please reach out to the Pierce Lab.